The following is an entry in ClinVar:

ClinVar aggregate classification (germline): Conflicting classifications of pathogenicity. Review status: criteria provided, conflicting classifications (1 of 4 stars). 2 submissions from 2 submitters: Uncertain significance (1); Benign (1). Last evaluated 2025-09-05.

Conditions:
Inborn genetic diseases. Identifiers: MedGen C0950123, MeSH D030342.
Platelet-type bleeding disorder 9 (BDPLT9). Also called: GLYCOPROTEIN Ia DEFICIENCY; GP Ia DEFICIENCY; COLLAGEN PLATELET RECEPTOR DEFICIENCY. Identifiers: Orphanet 73271, Orphanet 98886, MedGen C3280114, MONDO:0013622, OMIM 614200.

Allele frequency attached by ClinVar (database versions not stated): ESP Exome Variant Server 0.00008; ExAC 0.00010; gnomAD 0.00011; TOPMed 0.00022; 1000 Genomes Project 0.00040; 1000 Genomes Project 30x 0.00062.
gnomAD v4.1: 271 of 1,610,228 alleles (0.017%); highest among the groups gnomAD compares: Admixed American, 0.043%; no homozygotes.

Submissions (2):

Ambry Genetics
Classification: Uncertain significance for Inborn genetic diseases. Last evaluated: 2025-09-05. Review status: criteria provided, single submitter. Criteria: Ambry Variant Classification Scheme 2023. Collection method: clinical testing. Allele origin: germline.

Illumina Laboratory Services, Illumina
Classification: Benign for Platelet-type bleeding disorder 9. Last evaluated: 2018-01-13. Review status: criteria provided, single submitter. Criteria: ICSL Variant Classification Criteria 13 December 2019. Collection method: clinical testing. Allele origin: germline.
Comment: This variant was observed in the ICSL laboratory as part of a predisposition screen in an ostensibly healthy population. It had not been previously curated by ICSL or reported in the Human Gene Mutation Database (HGMD: prior to June 1st, 2018), and was therefore a candidate for classification through an automated scoring system. Utilizing variant allele frequency, disease prevalence and penetrance estimates, and inheritance mode, an automated score was calculated to assess if this variant is too frequent to cause the disease. Based on the score and internal cut-off values, a variant classified as benign is not then subjected to further curation. The score for this variant resulted in a classification of benign for this disease.

NM_002203.4(ITGA2):c.3034G>A (p.Asp1012Asn)

Gene: ITGA2 (integrin subunit alpha 2; plus strand). Cytogenetic location: 5q11.2.
Variant type: single nucleotide variant.
Coding change: c.3034G>A on transcript NM_002203.4 (MANE Select); coding-DNA position 3034, G replaced by A.
Protein change: p.Asp1012Asn; replaces aspartic acid 1012 with asparagine.
Molecular consequence: missense variant. On other transcripts: non-coding transcript variant (5).
Genome position (GRCh38, 1-based): chr5:53,080,616, G>A. VCF-style: chr5-53080616-G-A. GRCh37 (hg19) VCF-style: chr5-52376446-G-A.
Other names: short protein forms D1012N.
Identifiers: ClinVar variation 905426 (VCV000905426.5), dbSNP rs199575892, ClinGen allele CA3263376.